The following is an entry in ClinVar:

ClinVar aggregate classification (germline): Pathogenic (1 of 4 stars; one submission).

Conditions:
Deficiency of alpha-mannosidase (MANSA). Also called: LYSOSOMAL ALPHA-D-MANNOSIDASE DEFICIENCY; Mannosidosis, alpha-, types I and II; Alpha-Mannosidosis. Identifiers: Orphanet 61, MedGen C0024748, MONDO:0009561, OMIM 248500.

Submission:

Labcorp Genetics (formerly Invitae), Labcorp
Classification: Pathogenic for Deficiency of alpha-mannosidase. Last evaluated: 2021-08-12. Review status: criteria provided, single submitter. Criteria: Invitae Variant Classification Sherloc (09022015). Collection method: clinical testing. Allele origin: germline.
Comment: This variant is a gross deletion of the genomic region encompassing exon(s) 8-10 of the MAN2B1 gene. This deletion is out-of-frame, and is expected to create a premature termination codon and result in an absent or disrupted protein product. Loss-of-function variants in MAN2B1 are known to be pathogenic (PMID: 9915946, 22161967). This variant has not been reported in the literature in individuals affected with MAN2B1-related conditions. For these reasons, this variant has been classified as Pathogenic.

Literature cited by the submitters: PubMed 9915946; PubMed 22161967.

NC_000019.9:g.(?_12768867)_(12769334_?)del

Gene: MAN2B1 (mannosidase alpha class 2B member 1; minus strand). Cytogenetic location: 19p13.2.
Variant type: Deletion.
Identifiers: ClinVar variation 1457596 (VCV001457596.5).